The following is an entry in ClinVar:

NM_001003787.4(STRADA):c.695A>G (p.Asp232Gly)

Gene: STRADA (STE20 related adaptor alpha; minus strand). Cytogenetic location: 17q23.3.
Variant type: single nucleotide variant.
Coding change: c.695A>G on transcript NM_001003787.4 (MANE Select); coding-DNA position 695, A replaced by G.
Protein change: p.Asp232Gly; replaces aspartic acid 232 with glycine.
Molecular consequence: missense variant.
Genome position (GRCh38, 1-based): chr17:63,707,305, T>C on the plus strand (A>G on the coding strand, the complement: STRADA is on the minus strand). VCF-style: chr17-63707305-T-C. GRCh37 (hg19) VCF-style: chr17-61784665-T-C.
Other names: c.584A>G, p.Asp195Gly (NM_001003786.3, NM_001363789.1, NM_153335.6); c.521A>G, p.Asp174Gly (NM_001003788.3, NM_001363790.1, NM_001363791.1); c.608A>G, p.Asp203Gly (NM_001165969.2, NM_001363787.1); c.563A>G, p.Asp188Gly (NM_001165970.2); c.671A>G, p.Asp224Gly (NM_001363786.1); c.695A>G, p.Asp232Gly (NM_001363788.1); short protein forms D232G, D195G, D203G, D174G, D188G, D224G.
Identifiers: ClinVar variation 576387 (VCV000576387.11), dbSNP rs1405579656, ClinGen allele CA400591420.

ClinVar aggregate classification (germline): Uncertain significance. Review status: criteria provided, multiple submitters, no conflicts (2 of 4 stars). 2 submissions from 2 submitters: Uncertain significance (2). Last evaluated 2024-05-20.

Conditions:
Inborn genetic diseases. Identifiers: MedGen C0950123, MeSH D030342.
Polyhydramnios, megalencephaly, and symptomatic epilepsy (PMSE). Also called: PMSE SYNDROME. Identifiers: Orphanet 500533, MedGen C1970203, MONDO:0012611, OMIM 611087.

Allele frequency attached by ClinVar (database versions not stated): gnomAD exomes below 0.00001; TOPMed 0.00001; gnomAD 0.00001.
gnomAD v4.1: 5 of 1,613,958 alleles (0.00031%); highest among the groups gnomAD compares: East Asian, 0.0022%; no homozygotes.

Submissions (2):

Ambry Genetics
Classification: Uncertain significance for Inborn genetic diseases. Last evaluated: 2024-05-20. Review status: criteria provided, single submitter. Criteria: Ambry Variant Classification Scheme 2023. Collection method: clinical testing. Allele origin: germline.

Labcorp Genetics (formerly Invitae), Labcorp
Classification: Uncertain significance for Polyhydramnios, megalencephaly, and symptomatic epilepsy. Last evaluated: 2023-08-24. Review status: criteria provided, single submitter. Criteria: Invitae Variant Classification Sherloc (09022015). Collection method: clinical testing. Allele origin: germline.
Comment: This variant is not present in population databases (gnomAD no frequency). This sequence change replaces aspartic acid, which is acidic and polar, with glycine, which is neutral and non-polar, at codon 232 of the STRADA protein (p.Asp232Gly). This variant has not been reported in the literature in individuals affected with STRADA-related conditions. In summary, the available evidence is currently insufficient to determine the role of this variant in disease. Therefore, it has been classified as a Variant of Uncertain Significance. An algorithm developed to predict the effect of missense changes on protein structure and function (PolyPhen-2) suggests that this variant is likely to be disruptive. ClinVar contains an entry for this variant (Variation ID: 576387).